The following is an entry in ClinVar:

ClinVar aggregate classification (germline): Benign. Review status: criteria provided, multiple submitters, no conflicts (2 of 4 stars). 7 submissions from 7 submitters: Benign (7). Last evaluated 2026-01-24.

Allele frequency attached by ClinVar (database versions not stated): gnomAD exomes 0.00399 and 0.00983; TOPMed 0.04212; 1000 Genomes Project 30x 0.04232; ExAC 0.01168; gnomAD 0.03705 and 0.03980; 1000 Genomes Project 0.04034; ESP Exome Variant Server 0.04121.
gnomAD v4.1: 11,754 of 1,613,804 alleles (0.73%); highest among the groups gnomAD compares: African/African-American, 13%; 676 homozygotes.

Submissions (7):

Labcorp Genetics (formerly Invitae), Labcorp
Classification: Benign. Last evaluated: 2026-01-24. Review status: criteria provided, single submitter. Criteria: Invitae Variant Classification Sherloc (09022015). Collection method: clinical testing. Allele origin: germline.

Mayo Clinic Laboratories, Mayo Clinic
Classification: Benign. Last evaluated: 2020-10-02. Review status: criteria provided, single submitter. Criteria: ACMG Guidelines, 2015. Collection method: clinical testing. Allele origin: germline. Observed: 6 variant alleles.

Athena Diagnostics
Classification: Benign. Last evaluated: 2018-05-23. Review status: criteria provided, single submitter. Criteria: Athena Diagnostics Criteria. Collection method: clinical testing. Allele origin: germline.

GeneDx
Classification: Benign. Last evaluated: 2017-11-15. Review status: criteria provided, single submitter. Criteria: GeneDx Variant Classification (06012015). Collection method: clinical testing. Allele origin: germline. Affected: yes.
Comment: This variant is considered likely benign or benign based on one or more of the following criteria: it is a conservative change, it occurs at a poorly conserved position in the protein, it is predicted to be benign by multiple in silico algorithms, and/or has population frequency not consistent with disease.

Laboratory for Molecular Medicine, Mass General Brigham Personalized Medicine
Classification: Benign. Last evaluated: 2012-05-07. Review status: criteria provided, single submitter. Criteria: LMM Criteria. Collection method: clinical testing. Allele origin: germline. Observed: 54 variant alleles.
Comment: Arg442His in Exon 07 of ILDR1: This variant is not expected to have clinical sig nificance because it has been identified in 12.3% (459/3738) of African American chromosomes from a broad population by the NHLBI Exome Sequencing Project (dbSNP rs34883204).

Breakthrough Genomics
Classification: Benign. Review status: criteria provided, single submitter. Criteria: ACMG Guidelines, 2015. Collection method: not provided. Allele origin: germline. Inheritance: Autosomal recessive inheritance. Affected: yes.

PreventionGenetics, part of Exact Sciences
Classification: Benign. Review status: criteria provided, single submitter. Criteria: ACMG Guidelines, 2015. Collection method: clinical testing. Allele origin: germline.

NM_001199799.2(ILDR1):c.1325G>A (p.Arg442His)

Gene: ILDR1 (immunoglobulin like domain containing receptor 1; minus strand). Cytogenetic location: 3q13.33.
Variant type: single nucleotide variant.
Coding change: c.1325G>A on transcript NM_001199799.2 (MANE Select); coding-DNA position 1325, G replaced by A.
Protein change: p.Arg442His; replaces arginine 442 with histidine.
Molecular consequence: missense variant.
Genome position (GRCh38, 1-based): chr3:121,993,424, C>T on the plus strand (G>A on the coding strand, the complement: ILDR1 is on the minus strand). VCF-style: chr3-121993424-C-T. GRCh37 (hg19) VCF-style: chr3-121712271-C-T.
Other names: c.1058G>A, p.Arg353His (NM_001199800.2); c.1193G>A, p.Arg398His (NM_175924.4); short protein forms R442H, R398H, R353H.
Identifiers: ClinVar variation 44139 (VCV000044139.15), dbSNP rs34883204, ClinGen allele CA133655.
Genomic context (GRCh38, chr3:121,993,424, plus strand): 5'-CGTCTCCCGTGCCTCTGAGTGCTCTCCCGGGGGCTGGGCCTGCGGGGCCTCTCCTGACAG[C>T]GGCTCCTGAAAGGAGGGTGGCTCGGCCGCCAGCGTGCCTCACTGGATGAGGGGACATCGC-3'
Protein context (NP_001186728.1, residues 432-452): WRPSHPPFRS[Arg442His]CQERPRRPSP